The following is an entry in ClinVar:

NM_000334.4(SCN4A):c.5210C>T (p.Ala1737Val)

Genes: GH-LCR (growth hormone locus control region; plus strand), SCN4A (sodium voltage-gated channel alpha subunit 4; minus strand). Cytogenetic location: 17q23.3.
Variant type: single nucleotide variant.
Coding change: c.5210C>T on transcript NM_000334.4 (MANE Select); coding-DNA position 5210, C replaced by T.
Protein change: p.Ala1737Val; replaces alanine 1737 with valine.
Molecular consequence: missense variant.
Genome position (GRCh38, 1-based): chr17:63,941,072, G>A on the plus strand (C>T on the coding strand, the complement: SCN4A is on the minus strand). VCF-style: chr17-63941072-G-A. GRCh37 (hg19) VCF-style: chr17-62018432-G-A.
Other names: short protein forms A1737V.
Identifiers: ClinVar variation 2501952 (VCV002501952.3), dbSNP rs750185499, ClinGen allele CA8708815.
Genomic context (GRCh38, chr17:63,941,072, plus strand): 5'-CTGTGGCGGTACATGTAGGATGCCTGCTTCATGGAGCGCTGTAGCAGGTGCCGGCGGTAG[G>A]CCCTCTGGATCTTGATGGCGCACACCTCCTCGTGCTTCCTCTTGAGGGTGGTGGTGATGG-3'
Protein context (NP_000325.4, residues 1727-1747): EEVCAIKIQR[Ala1737Val]YRRHLLQRSM

ClinVar aggregate classification (germline): Uncertain significance. Review status: criteria provided, multiple submitters, no conflicts (2 of 4 stars). 2 submissions from 2 submitters: Uncertain significance (2). Last evaluated 2024-02-08.

Conditions:
Congenital myopathy 22A, classic (CMYO22A). Identifiers: MedGen C5830453, MONDO:0957247, OMIM 620351.
Congenital myopathy 22B, severe fetal (CMYO22B). Identifiers: MedGen C5830501, MONDO:0957265, OMIM 620369.
Congenital myasthenic syndrome 16. Identifiers: Orphanet 590, MedGen C3280112, MONDO:0013620, OMIM 614198.
Hypokalemic periodic paralysis, type 2 (HOKPP2). Identifiers: Orphanet 681, MedGen C2750061, MONDO:0013234, OMIM 613345.
Hyperkalemic periodic paralysis. Also called: Gamstorp disease; Familial hyperkalemic periodic paralysis. Identifiers: Orphanet 682, MedGen C0238357, MONDO:0008224, OMIM 170500, HP:0007215.
Potassium-aggravated myotonia. Also called: MYOTONIA CONGENITA, ATYPICAL; SODIUM CHANNEL MUSCLE DISEASE; MYOTONIA CONGENITA, ACETAZOLAMIDE-RESPONSIVE; Myotonia congenita, atypical, acetazolamide-responsive. Identifiers: Orphanet 612, Orphanet 99734, Orphanet 99735, Orphanet 99736, MedGen C2931826, MONDO:0018959, OMIM 608390.
Paramyotonia congenita of Von Eulenburg. Also called: PARALYSIS PERIODICA PARAMYOTONICA; Eulenburg disease; Myotonia congenita intermittens; Von Eulenburg paramyotonia congenita; Paramyotonia Congenita. Identifiers: Orphanet 684, MedGen C0221055, MONDO:0008195, OMIM 168300. Disease mechanism: loss of function.

Allele frequency attached by ClinVar (database versions not stated): gnomAD exomes below 0.00001; TOPMed below 0.00001; ExAC 0.00001.
gnomAD v4.1: 3 of 1,614,004 alleles (0.00019%); highest among the groups gnomAD compares: Middle Eastern, 0.016%; no homozygotes.

Submissions (2):

Fulgent Genetics
Classification: Uncertain significance for Paramyotonia congenita of Von Eulenburg; Hyperkalemic periodic paralysis; Potassium-aggravated myotonia; Hypokalemic periodic paralysis, type 2; Congenital myasthenic syndrome 16; Congenital myopathy 22A, classic; Congenital myopathy 22B, severe fetal. Last evaluated: 2024-02-08. Review status: criteria provided, single submitter. Criteria: ACMG Guidelines, 2015. Collection method: clinical testing. Allele origin: germline.

GeneDx
Classification: Uncertain significance. Last evaluated: 2023-12-19. Review status: criteria provided, single submitter. Criteria: GeneDx Variant Classification Process June 2021. Collection method: clinical testing. Allele origin: germline.
Comment: Not observed at significant frequency in large population cohorts (gnomAD); In silico analysis supports that this missense variant has a deleterious effect on protein structure/function; Has not been previously published as pathogenic or benign to our knowledge